The following is an entry in ClinVar:

ClinVar aggregate classification (germline): Pathogenic (1 of 4 stars; one submission).

Conditions:
MHC class II deficiency. Also called: Bare lymphocyte syndrome 2; BLS, TYPE II. Identifiers: Orphanet 572, MedGen C5447452, MONDO:0008855.

Submission:

Labcorp Genetics (formerly Invitae), Labcorp
Classification: Pathogenic for MHC class II deficiency. Last evaluated: 2023-07-14. Review status: criteria provided, single submitter. Criteria: Invitae Variant Classification Sherloc (09022015). Collection method: clinical testing. Allele origin: germline.
Comment: This variant is not present in population databases (gnomAD no frequency). For these reasons, this variant has been classified as Pathogenic. This variant disrupts a region of the RFX5 protein in which other variant(s) (p.Ser571Glnfs*22) have been determined to be pathogenic (Invitae). This suggests that this is a clinically significant region of the protein, and that variants that disrupt it are likely to be disease-causing. ClinVar contains an entry for this variant (Variation ID: 1998869). This variant has not been reported in the literature in individuals affected with RFX5-related conditions. This sequence change creates a premature translational stop signal (p.Pro345Argfs*24) in the RFX5 gene. While this is not anticipated to result in nonsense mediated decay, it is expected to disrupt the last 272 amino acid(s) of the RFX5 protein.

NM_001025603.2(RFX5):c.1034_1035del (p.Pro345fs)

Gene: RFX5 (regulatory factor X5; minus strand). Cytogenetic location: 1q21.3.
Variant type: Deletion.
Coding change: c.1034_1035del on transcript NM_001025603.2 (MANE Select); coding-DNA positions 1034 to 1035, 2 bases deleted (CA; older notation c.1034_1035delCA).
Protein change: p.Pro345fs; shifts the reading frame from proline 345.
Molecular consequence: frameshift variant.
Genome position (GRCh38, 1-based): chr1:151,343,002-151,343,003, TG deleted on the plus strand (CA on the coding strand, the reverse complement: RFX5 is on the minus strand). VCF-style (leftmost placement, unchanged base first): chr1-151343001-CTG-C. GRCh37 (hg19) VCF-style: chr1-151315477-CTG-C.
Other names: c.1034_1035del, p.Pro345fs (NM_000449.4, NM_001379412.1, NM_001379413.1 and 5 more transcripts); c.914_915del, p.Pro305fs (NM_001379419.1, NM_001379420.1); short protein forms P345fs, P305fs.
Identifiers: ClinVar variation 1998869 (VCV001998869.4), dbSNP rs2529019649, ClinGen allele CA2580061020.